The following is an entry in ClinVar:

ClinVar aggregate classification (germline): Uncertain significance. Review status: criteria provided, multiple submitters, no conflicts (2 of 4 stars). 2 submissions from 2 submitters: Uncertain significance (2). Last evaluated 2025-09-10.

Conditions:
Inborn genetic diseases. Identifiers: MedGen C0950123, MeSH D030342.

gnomAD v4.1: 9 of 1,542,208 alleles (0.00058%); highest among the groups gnomAD compares: African/African-American, 0.012%; no homozygotes.

Submissions (2):

Labcorp Genetics (formerly Invitae), Labcorp
Classification: Uncertain significance. Last evaluated: 2025-09-10. Review status: criteria provided, single submitter. Criteria: Invitae Variant Classification Sherloc (09022015). Collection method: clinical testing. Allele origin: germline.
Comment: This sequence change replaces glycine, which is neutral and non-polar, with valine, which is neutral and non-polar, at codon 585 of the TNFRSF11A protein (p.Gly585Val). The frequency data for this variant in the population databases is considered unreliable, as metrics indicate poor data quality at this position in the gnomAD database. This variant has not been reported in the literature in individuals affected with TNFRSF11A-related conditions. ClinVar contains an entry for this variant (Variation ID: 1899579). An algorithm developed to predict the effect of missense changes on protein structure and function (PolyPhen-2) suggests that this variant is likely to be tolerated. In summary, the available evidence is currently insufficient to determine the role of this variant in disease. Therefore, it has been classified as a Variant of Uncertain Significance.

Ambry Genetics
Classification: Uncertain significance for Inborn genetic diseases. Last evaluated: 2023-03-21. Review status: criteria provided, single submitter. Criteria: Ambry Variant Classification Scheme 2023. Collection method: clinical testing. Allele origin: germline.

NM_003839.4(TNFRSF11A):c.1754G>T (p.Gly585Val)

Gene: TNFRSF11A (TNF receptor superfamily member 11a; plus strand). Cytogenetic location: 18q21.33.
Variant type: single nucleotide variant.
Coding change: c.1754G>T on transcript NM_003839.4 (MANE Select); coding-DNA position 1754, G replaced by T.
Protein change: p.Gly585Val; replaces glycine 585 with valine.
Molecular consequence: missense variant. On other transcripts: 3 prime UTR variant (1).
Genome position (GRCh38, 1-based): chr18:62,384,937, G>T. VCF-style: chr18-62384937-G-T. GRCh37 (hg19) VCF-style: chr18-60052170-G-T.
Other names: c.*178G>T (NM_001270949.2); c.917G>T, p.Gly306Val (NM_001270950.2); c.803G>T, p.Gly268Val (NM_001270951.2); c.1712G>T, p.Gly571Val (NM_001278268.2); short protein forms G268V, G585V, G306V, G571V.
Identifiers: ClinVar variation 1899579 (VCV001899579.5), dbSNP rs1490028676, ClinGen allele CA402620604.